The following is an entry in ClinVar:

ClinVar aggregate classification (germline): Pathogenic/Likely pathogenic. Review status: criteria provided, multiple submitters, no conflicts (2 of 4 stars). 3 submissions from 3 submitters: Pathogenic (1); Likely pathogenic (2). Last evaluated 2024-09-09.

Conditions:
Primary ciliary dyskinesia. Also called: Ciliary dyskinesia. Identifiers: Orphanet 244, MedGen C0008780, MONDO:0016575, HP:0012265.

Submissions (3):

Natera, Inc.
Classification: Likely pathogenic for Primary ciliary dyskinesia. Last evaluated: 2024-09-09. Review status: criteria provided, single submitter. Criteria: Natera Variant Classification Schema (03/2026). Collection method: clinical testing. Allele origin: germline.
Comment: The c.4797-1G>C variant in DNAH5 is a canonical splice acceptor site variant predicted to affect pre-mRNA splicing, which may result in an abnormal transcript and altered protein product. This variant is expected to result in nonsense mediated decay, truncation, or a dysfunctional protein product. This variant is rare in the general population with a frequency below the threshold expected for the associated phenotype(s). Given the available evidence, this variant is classified as Likely Pathogenic.

Labcorp Genetics (formerly Invitae), Labcorp
Classification: Likely pathogenic for Primary ciliary dyskinesia. Last evaluated: 2022-12-14. Review status: criteria provided, single submitter. Criteria: Invitae Variant Classification Sherloc (09022015). Collection method: clinical testing. Allele origin: germline.
Comment: In summary, the currently available evidence indicates that the variant is pathogenic, but additional data are needed to prove that conclusively. Therefore, this variant has been classified as Likely Pathogenic. Algorithms developed to predict the effect of sequence changes on RNA splicing suggest that this variant may disrupt the consensus splice site. ClinVar contains an entry for this variant (Variation ID: 595076). This variant has not been reported in the literature in individuals affected with DNAH5-related conditions. This variant is not present in population databases (gnomAD no frequency). This sequence change affects an acceptor splice site in intron 29 of the DNAH5 gene. It is expected to disrupt RNA splicing. Variants that disrupt the donor or acceptor splice site typically lead to a loss of protein function (PMID: 16199547), and loss-of-function variants in DNAH5 are known to be pathogenic (PMID: 11788826, 16627867).

Eurofins Ntd Llc (ga)
Classification: Pathogenic. Last evaluated: 2017-11-16. Review status: criteria provided, single submitter. Criteria: EGL Classification Definitions 2015. Collection method: clinical testing. Allele origin: germline. Observed: 1 variant allele, 1 heterozygote.

Literature cited by the submitters: PubMed 16199547 (cited by Labcorp Genetics (formerly Invitae), Labcorp); PubMed 11788826 (cited by Labcorp Genetics (formerly Invitae), Labcorp); PubMed 16627867 (cited by Labcorp Genetics (formerly Invitae), Labcorp).

NM_001369.3(DNAH5):c.4797-1G>C

Genes: DNAH5 (dynein axonemal heavy chain 5; minus strand), LOC126807318 (MED14-independent group 3 enhancer GRCh37_chr5:13858976-13860175; plus strand). Cytogenetic location: 5p15.2.
Variant type: single nucleotide variant.
Coding change: c.4797-1G>C on transcript NM_001369.3 (MANE Select); the canonical splice acceptor site of the intron before coding-DNA position 4797, G replaced by C.
Molecular consequence: splice acceptor variant.
Genome position (GRCh38, 1-based): chr5:13,859,606, C>G on the plus strand (G>C on the coding strand, the complement: DNAH5 is on the minus strand). VCF-style: chr5-13859606-C-G. GRCh37 (hg19) VCF-style: chr5-13859715-C-G.
Other names: c.4797-1G>C (NM_001369.2).
Identifiers: ClinVar variation 595076 (VCV000595076.9), dbSNP rs1561449604, ClinGen allele CA359220333.